The following is an entry in ClinVar:

NM_182972.3(IRF2BP2):c.392C>G (p.Ser131Cys)

Genes: IRF2BP2 (interferon regulatory factor 2 binding protein 2; minus strand), LOC129932812 (ATAC-STARR-seq lymphoblastoid silent region 1977; plus strand). Cytogenetic location: 1q42.3.
Variant type: single nucleotide variant.
Coding change: c.392C>G on transcript NM_182972.3 (MANE Select); coding-DNA position 392, C replaced by G.
Protein change: p.Ser131Cys; replaces serine 131 with cysteine.
Molecular consequence: missense variant.
Genome position (GRCh38, 1-based): chr1:234,609,103, G>C on the plus strand (C>G on the coding strand, the complement: IRF2BP2 is on the minus strand). VCF-style: chr1-234609103-G-C. GRCh37 (hg19) VCF-style: chr1-234744849-G-C.
Other names: c.392C>G, p.Ser131Cys (NM_001077397.1); c.392C>G (NM_182972.2); short protein forms S131C.
Identifiers: ClinVar variation 2968899 (VCV002968899.4), dbSNP rs761663830, ClinGen allele CA1461867.

ClinVar aggregate classification (germline): Uncertain significance. Review status: criteria provided, multiple submitters, no conflicts (2 of 4 stars). 2 submissions from 2 submitters: Uncertain significance (2). Last evaluated 2025-04-17.

Allele frequency attached by ClinVar (database versions not stated): gnomAD exomes 0.00003.
gnomAD v4.1: 31 of 1,231,914 alleles (0.0025%); highest among the groups gnomAD compares: Non-Finnish European, 0.0029%; no homozygotes.

Submissions (2):

Ambry Genetics
Classification: Uncertain significance. Last evaluated: 2025-04-17. Review status: criteria provided, single submitter. Criteria: Ambry Variant Classification Scheme 2023. Collection method: clinical testing. Allele origin: germline.

Labcorp Genetics (formerly Invitae), Labcorp
Classification: Uncertain significance. Last evaluated: 2025-02-02. Review status: criteria provided, single submitter. Criteria: Invitae Variant Classification Sherloc (09022015). Collection method: clinical testing. Allele origin: germline.
Comment: This sequence change replaces serine, which is neutral and polar, with cysteine, which is neutral and slightly polar, at codon 131 of the IRF2BP2 protein (p.Ser131Cys). This variant is not present in population databases (gnomAD no frequency). This variant has not been reported in the literature in individuals affected with IRF2BP2-related conditions. ClinVar contains an entry for this variant (Variation ID: 2968899). An algorithm developed to predict the effect of missense changes on protein structure and function (PolyPhen-2) suggests that this variant is likely to be disruptive. In summary, the available evidence is currently insufficient to determine the role of this variant in disease. Therefore, it has been classified as a Variant of Uncertain Significance.